The following is an entry in ClinVar:

ClinVar aggregate classification (germline): Uncertain significance (1 of 4 stars; one submission).

Conditions:
Kabuki syndrome. Also called: NIIKAWA-KUROKI SYNDROME; Kabuki make-up syndrome. Identifiers: Orphanet 2322, MedGen C0796004, MONDO:0016512.

gnomAD v4.1: 1 of 1,461,096 alleles (0.000068%); highest among the groups gnomAD compares: South Asian, 0.0012%; no homozygotes.

Submission:

Labcorp Genetics (formerly Invitae), Labcorp
Classification: Uncertain significance for Kabuki syndrome. Last evaluated: 2025-07-27. Review status: criteria provided, single submitter. Criteria: Invitae Variant Classification Sherloc (09022015). Collection method: clinical testing. Allele origin: germline.
Comment: This sequence change affects codon 4633 of the KMT2D mRNA. It is a 'silent' change, meaning that it does not change the encoded amino acid sequence of the KMT2D protein. This variant is not present in population databases (gnomAD no frequency). This variant has not been reported in the literature in individuals affected with KMT2D-related conditions. Algorithms developed to predict the effect of sequence changes on RNA splicing suggest that this variant may create or strengthen a splice site. In summary, the available evidence is currently insufficient to determine the role of this variant in disease. Therefore, it has been classified as a Variant of Uncertain Significance.

NM_003482.4(KMT2D):c.13899G>A (p.Ser4633=)

Gene: KMT2D (lysine methyltransferase 2D; minus strand). Cytogenetic location: 12q13.12.
Variant type: single nucleotide variant.
Coding change: c.13899G>A on transcript NM_003482.4 (MANE Select); coding-DNA position 13899, G replaced by A.
Protein change: p.Ser4633=; no amino-acid change (serine 4633 retained).
Molecular consequence: synonymous variant.
Genome position (GRCh38, 1-based): chr12:49,030,380, C>T on the plus strand (G>A on the coding strand, the complement: KMT2D is on the minus strand). VCF-style: chr12-49030380-C-T. GRCh37 (hg19) VCF-style: chr12-49424163-C-T.
Identifiers: ClinVar variation 4810839 (VCV004810839.1).